The following is an entry in ClinVar:

ClinVar aggregate classification (germline): Uncertain significance. Review status: criteria provided, multiple submitters, no conflicts (2 of 4 stars). 2 submissions from 2 submitters: Uncertain significance (2). Last evaluated 2023-07-06.

Conditions:
PDGFRA-related disorder. Also called: PDGFRA-related condition.
Gastrointestinal stromal tumor. Also called: Gastrointestinal stroma tumor; Gastrointestinal stromal tumor, somatic. Identifiers: Orphanet 44890, MedGen C0238198, MeSH D046152, MONDO:0011719, OMIM 606764, HP:0100723.

Allele frequency attached by ClinVar (database versions not stated): gnomAD exomes below 0.00001.
gnomAD v4.1: 3 of 1,610,570 alleles (0.00019%); highest among the groups gnomAD compares: South Asian, 0.0022%; no homozygotes.

Submissions (2):

PreventionGenetics, part of Exact Sciences
Classification: Uncertain significance for PDGFRA-related condition. Last evaluated: 2023-07-06. Review status: criteria provided, single submitter. Criteria: ACMG Guidelines, 2015. Collection method: clinical testing. Allele origin: germline.
Comment: The PDGFRA c.629C>A variant is predicted to result in the amino acid substitution p.Ala210Glu. To our knowledge, this variant has not been reported in the literature or in a large population database, indicating this variant is rare. At this time, the clinical significance of this variant is uncertain due to the absence of conclusive functional and genetic evidence.

Labcorp Genetics (formerly Invitae), Labcorp
Classification: Uncertain significance for Gastrointestinal stromal tumor. Last evaluated: 2017-01-19. Review status: criteria provided, single submitter. Criteria: Invitae Variant Classification Sherloc (09022015). Collection method: clinical testing. Allele origin: germline.
Comment: In summary, this variant is a novel missense change with uncertain impact on protein function. It has been classified as a Variant of Uncertain Significance. Algorithms developed to predict the effect of missense changes on protein structure and function do not agree on the potential impact of this missense change (SIFT: "Tolerated"; PolyPhen-2: "Possibly Damaging"; Align-GVGD: "Class C0"). This variant is not present in population databases (ExAC no frequency) and has not been reported in the literature in individuals with a PDGFRA-related disease. This sequence change replaces alanine with glutamic acid at codon 210 of the PDGFRA protein (p.Ala210Glu). The alanine residue is moderately conserved and there is a moderate physicochemical difference between alanine and glutamic acid.

NM_006206.6(PDGFRA):c.629C>A (p.Ala210Glu)

Gene: PDGFRA (platelet derived growth factor receptor alpha; plus strand). Cytogenetic location: 4q12.
Variant type: single nucleotide variant.
Coding change: c.629C>A on transcript NM_006206.6 (MANE Select); coding-DNA position 629, C replaced by A.
Protein change: p.Ala210Glu; replaces alanine 210 with glutamic acid.
Molecular consequence: missense variant.
Genome position (GRCh38, 1-based): chr4:54,264,919, C>A. VCF-style: chr4-54264919-C-A. GRCh37 (hg19) VCF-style: chr4-55131086-C-A.
Other names: c.629C>A, p.Ala210Glu (NM_001347827.2, NM_001347829.2); c.704C>A, p.Ala235Glu (NM_001347828.2); c.668C>A, p.Ala223Glu (NM_001347830.2); c.629C>A (NM_006206.5); short protein forms A210E, A235E, A223E.
Identifiers: ClinVar variation 459115 (VCV000459115.10), dbSNP rs761446758, ClinGen allele CA356890644.